The following is an entry in ClinVar:

NM_001036.6(RYR3):c.688C>G (p.His230Asp)

Gene: RYR3 (ryanodine receptor 3; plus strand). Cytogenetic location: 15q14.
Variant type: single nucleotide variant.
Coding change: c.688C>G on transcript NM_001036.6 (MANE Select); coding-DNA position 688, C replaced by G.
Protein change: p.His230Asp; replaces histidine 230 with aspartic acid.
Molecular consequence: missense variant.
Genome position (GRCh38, 1-based): chr15:33,543,663, C>G. VCF-style: chr15-33543663-C-G. GRCh37 (hg19) VCF-style: chr15-33835864-C-G.
Other names: c.688C>G, p.His230Asp (NM_001243996.4); short protein forms H230D.
Identifiers: ClinVar variation 1050929 (VCV001050929.10), dbSNP rs1353581080, ClinGen allele CA391561421.

ClinVar aggregate classification (germline): Uncertain significance (1 of 4 stars; one submission).

Conditions:
Epileptic encephalopathy. Identifiers: MedGen C0543888, HP:0200134.

Allele frequency attached by ClinVar (database versions not stated): gnomAD exomes below 0.00001; TOPMed below 0.00001.
gnomAD v4.1: 3 of 1,612,818 alleles (0.00019%); highest among the groups gnomAD compares: Non-Finnish European, 0.00025%; no homozygotes.

Submission:

Labcorp Genetics (formerly Invitae), Labcorp
Classification: Uncertain significance for Epileptic encephalopathy. Last evaluated: 2022-02-05. Review status: criteria provided, single submitter. Criteria: Invitae Variant Classification Sherloc (09022015). Collection method: clinical testing. Allele origin: germline.
Comment: In summary, the available evidence is currently insufficient to determine the role of this variant in disease. Therefore, it has been classified as a Variant of Uncertain Significance. Algorithms developed to predict the effect of missense changes on protein structure and function are either unavailable or do not agree on the potential impact of this missense change (SIFT: "Deleterious"; PolyPhen-2: "Benign"; Align-GVGD: "Class C0"). ClinVar contains an entry for this variant (Variation ID: 1050929). This variant has not been reported in the literature in individuals affected with RYR3-related conditions. This variant is present in population databases (no rsID available, gnomAD 0.0009%). This sequence change replaces histidine, which is basic and polar, with aspartic acid, which is acidic and polar, at codon 230 of the RYR3 protein (p.His230Asp).